The following is an entry in ClinVar:

ClinVar aggregate classification (germline): Uncertain significance. Review status: criteria provided, multiple submitters, no conflicts (2 of 4 stars). 3 submissions from 3 submitters: Uncertain significance (3). Last evaluated 2024-11-20.

Conditions:
Hereditary cancer-predisposing syndrome. Also called: Hereditary Cancer Syndrome; Tumor predisposition; Hereditary neoplastic syndrome; Neoplastic Syndromes, Hereditary. Identifiers: Orphanet 140162, MedGen C0027672, MeSH D009386, MONDO:0015356.
Familial cancer of breast. Also called: hereditary breast carcinoma; Hereditary breast cancer; BREAST CANCER, FAMILIAL. Identifiers: Orphanet 227535, MedGen C0346153, MONDO:0016419, OMIM 114480. Disease mechanism: loss of function.

gnomAD v4.1: 1 of 1,614,010 alleles (0.000062%); highest among the groups gnomAD compares: Non-Finnish European, 0.000085%; no homozygotes.

Submissions (3):

Ambry Genetics
Classification: Uncertain significance for Hereditary cancer-predisposing syndrome. Last evaluated: 2024-11-20. Review status: criteria provided, single submitter. Criteria: Ambry Variant Classification Scheme 2023. Collection method: clinical testing. Allele origin: germline.
Comment: The p.L32I variant (also known as c.94C>A), located in coding exon 2 of the PALB2 gene, results from a C to A substitution at nucleotide position 94. The leucine at codon 32 is replaced by isoleucine, an amino acid with highly similar properties. This amino acid position is well conserved in available vertebrate species. In addition, this alteration is predicted to be tolerated by in silico analysis. Based on the available evidence, the clinical significance of this variant remains unclear.

Labcorp Genetics (formerly Invitae), Labcorp
Classification: Uncertain significance for Familial cancer of breast. Last evaluated: 2024-01-17. Review status: criteria provided, single submitter. Criteria: Invitae Variant Classification Sherloc (09022015). Collection method: clinical testing. Allele origin: germline.
Comment: This sequence change replaces leucine, which is neutral and non-polar, with isoleucine, which is neutral and non-polar, at codon 32 of the PALB2 protein (p.Leu32Ile). This variant is not present in population databases (gnomAD no frequency). This variant has not been reported in the literature in individuals affected with PALB2-related conditions. ClinVar contains an entry for this variant (Variation ID: 1041146). An algorithm developed to predict the effect of missense changes on protein structure and function (PolyPhen-2) suggests that this variant is likely to be disruptive. In summary, the available evidence is currently insufficient to determine the role of this variant in disease. Therefore, it has been classified as a Variant of Uncertain Significance.

GeneDx
Classification: Uncertain significance. Last evaluated: 2023-10-27. Review status: criteria provided, single submitter. Criteria: GeneDx Variant Classification Process June 2021. Collection method: clinical testing. Allele origin: germline. Affected: yes.
Comment: Not observed at significant frequency in large population cohorts (gnomAD); In silico analysis supports that this missense variant does not alter protein structure/function; Has not been previously published as pathogenic or benign to our knowledge; This variant is associated with the following publications: (PMID: 19369211, 20871615)

NM_024675.4(PALB2):c.94C>A (p.Leu32Ile)

Gene: PALB2 (partner and localizer of BRCA2; minus strand). Cytogenetic location: 16p12.2.
Variant type: single nucleotide variant.
Coding change: c.94C>A on transcript NM_024675.4 (MANE Select); coding-DNA position 94, C replaced by A.
Protein change: p.Leu32Ile; replaces leucine 32 with isoleucine.
Molecular consequence: missense variant.
Genome position (GRCh38, 1-based): chr16:23,638,084, G>T on the plus strand (C>A on the coding strand, the complement: PALB2 is on the minus strand). VCF-style: chr16-23638084-G-T. GRCh37 (hg19) VCF-style: chr16-23649405-G-T.
Other names: c.94C>A (NM_024675.3); short protein forms L32I.
Identifiers: ClinVar variation 1041146 (VCV001041146.11), dbSNP rs151316635, ClinGen allele CA395139668.